The following is an entry in ClinVar:

NM_018075.5(ANO10):c.236T>G (p.Met79Arg)

Gene: ANO10 (anoctamin 10; minus strand). Cytogenetic location: 3p21.33.
Variant type: single nucleotide variant.
Coding change: c.236T>G on transcript NM_018075.5 (MANE Select); coding-DNA position 236, T replaced by G.
Protein change: p.Met79Arg; replaces methionine 79 with arginine.
Molecular consequence: missense variant. On other transcripts: intron variant (4).
Genome position (GRCh38, 1-based): chr3:43,600,485, A>C on the plus strand (T>G on the coding strand, the complement: ANO10 is on the minus strand). VCF-style: chr3-43600485-A-C. GRCh37 (hg19) VCF-style: chr3-43641977-A-C.
Other names: c.236T>G, p.Met79Arg (NM_001204831.3, NM_001204834.3, NM_001346463.2 and 4 more transcripts); c.140-1819T>G (NM_001346469.2, NM_001204832.3, NM_001346466.2); c.139+5229T>G (NM_001204833.3); short protein forms M79R.
Identifiers: ClinVar variation 902717 (VCV000902717.10), dbSNP rs201275096, ClinGen allele CA2341104.

ClinVar aggregate classification (germline): Uncertain significance. Review status: criteria provided, multiple submitters, no conflicts (2 of 4 stars). 4 submissions from 4 submitters: Uncertain significance (4). Last evaluated 2025-04-18.

Conditions:
Autosomal recessive spinocerebellar ataxia 10. Identifiers: Orphanet 284289, MedGen C3150998, MONDO:0013392, OMIM 613728.
Inborn genetic diseases. Identifiers: MedGen C0950123, MeSH D030342.

Allele frequency attached by ClinVar (database versions not stated): gnomAD exomes 0.00012 and 0.00024; ExAC 0.00014; TOPMed 0.00014; gnomAD 0.00016 and 0.00017; ESP Exome Variant Server 0.00023.
gnomAD v4.1: 364 of 1,614,012 alleles (0.023%); highest among the groups gnomAD compares: Non-Finnish European, 0.027%; no homozygotes.

Submissions (4):

Ambry Genetics
Classification: Uncertain significance for Inborn genetic diseases. Last evaluated: 2025-04-18. Review status: criteria provided, single submitter. Criteria: Ambry Variant Classification Scheme 2023. Collection method: clinical testing. Allele origin: germline.

Athena Diagnostics
Classification: Uncertain significance. Last evaluated: 2025-01-21. Review status: criteria provided, single submitter. Criteria: Athena Diagnostics Criteria. Collection method: clinical testing. Allele origin: unknown.
Comment: Available data are insufficient to determine the clinical significance of the variant at this time. The frequency of this variant in the general population is uninformative in assessment of its pathogenicity. Polyphen and MutationTaster yielded discordant predictions regarding whether this amino acid change is damaging to the protein.

Blueprint Genetics
Classification: Uncertain significance. Last evaluated: 2024-10-24. Review status: criteria provided, single submitter. Criteria: ACMG Guidelines, 2015. Collection method: clinical testing. Allele origin: germline.

Illumina Laboratory Services, Illumina
Classification: Uncertain significance for Autosomal recessive spinocerebellar ataxia 10. Last evaluated: 2018-01-13. Review status: criteria provided, single submitter. Criteria: ICSL Variant Classification Criteria 13 December 2019. Collection method: clinical testing. Allele origin: germline.

Literature cited by the submitters: PubMed 29590070 (cited by Athena Diagnostics).